The following is an entry in ClinVar:

NM_001349338.3(FOXP1):c.1316A>T (p.Tyr439Phe)

Gene: FOXP1 (forkhead box P1; minus strand). Cytogenetic location: 3p13.
Variant type: single nucleotide variant.
Coding change: c.1316A>T on transcript NM_001349338.3 (MANE Select); coding-DNA position 1316, A replaced by T.
Protein change: p.Tyr439Phe; replaces tyrosine 439 with phenylalanine.
Molecular consequence: missense variant. On other transcripts: non-coding transcript variant (2).
Genome position (GRCh38, 1-based): chr3:70,977,860, T>A on the plus strand (A>T on the coding strand, the complement: FOXP1 is on the minus strand). VCF-style: chr3-70977860-T-A. GRCh37 (hg19) VCF-style: chr3-71027011-T-A.
Other names: c.1316A>T, p.Tyr439Phe (NM_001244808.3, NM_001244810.2, NM_032682.6 and 4 more transcripts); c.1088A>T, p.Tyr363Phe (NM_001244812.3); c.1013A>T, p.Tyr338Phe (NM_001349343.3, NM_001349344.3, NM_001349337.2); c.1016A>T, p.Tyr339Phe (NM_001370548.1, NM_001244813.3, NM_001244815.2 and 1 more transcripts); c.1313A>T, p.Tyr438Phe (NM_001349341.3); short protein forms Y338F, Y339F, Y363F, Y438F, Y439F.
Identifiers: ClinVar variation 1769792 (VCV001769792.8), dbSNP rs1409656321, ClinGen allele CA353493456.
Genomic context (GRCh38, chr3:70,977,860, plus strand): 5'-TACGTGAGGCAAAAGGTGGAGTATCTACCTGACGAAATGGGCACGTTGTATTTGTCTGAG[T>A]ACCGCCTGCGGATGGGTCCCACCGTGTGCATGCTGGTGGTTGTGATGACAGAGGGGCCTT-3'
Protein context (NP_001336267.1, residues 429-449): MHTVGPIRRR[Tyr439Phe]SDKYNVPISS

ClinVar aggregate classification (germline): Conflicting classifications of pathogenicity. Review status: criteria provided, conflicting classifications (1 of 4 stars). 2 submissions from 2 submitters: Uncertain significance (1); Benign (1). Last evaluated 2026-06-10.

Conditions:
Inborn genetic diseases. Identifiers: MedGen C0950123, MeSH D030342.

Allele frequency attached by ClinVar (database versions not stated): gnomAD 0.00002; TOPMed 0.00002; gnomAD exomes 0.00003.
gnomAD v4.1: 53 of 1,614,080 alleles (0.0033%); highest among the groups gnomAD compares: Non-Finnish European, 0.0044%; no homozygotes.

Submissions (2):

Ambry Genetics
Classification: Uncertain significance for Inborn genetic diseases. Last evaluated: 2026-06-10. Review status: criteria provided, single submitter. Criteria: Ambry Variant Classification Scheme 2023. Collection method: clinical testing. Allele origin: germline.
Comment: The c.1316A>T (p.Y439F) alteration is located in exon 15 (coding exon 10) of the FOXP1 gene. This alteration results from a A to T substitution at nucleotide position 1316, causing the tyrosine (Y) at amino acid position 439 to be replaced by a phenylalanine (F). Based on data from gnomAD, the T allele has an overall frequency of 0.003% (1/31398) total alleles studied. The highest observed frequency was 0.007% (1/15422) of European (non-Finnish) alleles. Based on insufficient or conflicting evidence, the clinical significance of this alteration remains unclear.

Labcorp Genetics (formerly Invitae), Labcorp
Classification: Benign. Last evaluated: 2025-12-26. Review status: criteria provided, single submitter. Criteria: Invitae Variant Classification Sherloc (09022015). Collection method: clinical testing. Allele origin: germline.